The following is an entry in ClinVar:

ClinVar aggregate classification (germline): Pathogenic/Likely pathogenic. Review status: criteria provided, multiple submitters, no conflicts (2 of 4 stars). 3 submissions from 3 submitters: Pathogenic (1); Likely pathogenic (2). Last evaluated 2022-11-28.

Conditions:
Early-infantile DEE. Also called: Early infantile epileptic encephalopathy; Ohtahara syndrome; Early infantile epileptic encephalopathy with suppression bursts. Identifiers: Orphanet 1934, MedGen C0393706, MONDO:0800491.
Severe myoclonic epilepsy in infancy (DRVT). Also called: Epileptic encephalopathy, early infantile, 6 (Dravet syndrome); SEVERE MYOCLONIC EPILEPSY OF INFANCY; DEVELOPMENTAL AND EPILEPTIC ENCEPHALOPATHY 6A; Severe Myoclonic Epilepsy in Infancy (SMEI); Dravet syndrome. Identifiers: Orphanet 33069, MedGen C0751122, MONDO:0100135, OMIM 607208.

Submissions (3):

Labcorp Genetics (formerly Invitae), Labcorp
Classification: Pathogenic for Early-infantile DEE. Last evaluated: 2022-11-28. Review status: criteria provided, single submitter. Criteria: Invitae Variant Classification Sherloc (09022015). Collection method: clinical testing. Allele origin: germline.
Comment: This sequence change replaces alanine, which is neutral and non-polar, with threonine, which is neutral and polar, at codon 889 of the SCN1A protein (p.Ala889Thr). This variant is not present in population databases (gnomAD no frequency). This missense change has been observed in individual(s) with clinical features of SCN1A-related conditions (PMID: 31487502; Invitae). In at least one individual the variant was observed to be de novo. ClinVar contains an entry for this variant (Variation ID: 452271). Advanced modeling of protein sequence and biophysical properties (such as structural, functional, and spatial information, amino acid conservation, physicochemical variation, residue mobility, and thermodynamic stability) performed at Invitae indicates that this missense variant is expected to disrupt SCN1A protein function. For these reasons, this variant has been classified as Pathogenic.

GeneDx
Classification: Likely pathogenic. Last evaluated: 2020-06-22. Review status: criteria provided, single submitter. Criteria: GeneDx Variant Classification Process June 2021. Collection method: clinical testing. Allele origin: germline. Affected: yes.
Comment: Not observed in large population cohorts (Lek et al., 2016); Missense variants in this gene are often considered pathogenic (Stenson et al., 2014); In silico analysis supports that this missense variant has a deleterious effect on protein structure/function; Substitution predicted to be within the transmembrane segment S5 of the second homologous domain; This variant is associated with the following publications: (PMID: 31487502, 30336400)

Institute of Human Genetics, University of Leipzig Medical Center
Classification: Likely pathogenic for Severe myoclonic epilepsy in infancy. Last evaluated: 2019-02-04. Review status: criteria provided, single submitter. Criteria: ACMG Guidelines, 2015. Collection method: clinical testing. Allele origin: germline. Affected: yes. Observed: 1 variant allele.

Literature cited by the submitters: PubMed 31487502 (cited by Labcorp Genetics (formerly Invitae), Labcorp).

NM_001165963.4(SCN1A):c.2665G>A (p.Ala889Thr)

Gene: SCN1A (sodium voltage-gated channel alpha subunit 1; minus strand). Cytogenetic location: 2q24.3.
Variant type: single nucleotide variant.
Coding change: c.2665G>A on transcript NM_001165963.4 (MANE Select); coding-DNA position 2665, G replaced by A.
Protein change: p.Ala889Thr; replaces alanine 889 with threonine.
Molecular consequence: missense variant. On other transcripts: non-coding transcript variant (1).
Genome position (GRCh38, 1-based): chr2:166,038,057, C>T on the plus strand (G>A on the coding strand, the complement: SCN1A is on the minus strand). VCF-style: chr2-166038057-C-T. GRCh37 (hg19) VCF-style: chr2-166894567-C-T.
Other names: c.2581G>A, p.Ala861Thr (NM_001165964.3, NM_001353957.2, NM_001353958.2); c.2665G>A, p.Ala889Thr (NM_001202435.3, NM_001353948.2); c.2632G>A, p.Ala878Thr (NM_001353949.2, NM_001353950.2, NM_001353951.2 and 2 more transcripts); c.2629G>A, p.Ala877Thr (NM_001353954.2, NM_001353955.2); c.2578G>A, p.Ala860Thr (NM_001353960.2); c.223G>A, p.Ala75Thr (NM_001353961.2); short protein forms A878T, A889T, A860T, A75T, A877T, A861T.
Identifiers: ClinVar variation 452271 (VCV000452271.8), dbSNP rs1266877537, ClinGen allele CA349061639.